The following is an entry in ClinVar:

ClinVar aggregate classification (germline): Uncertain significance (1 of 4 stars; one submission).

Submission:

Labcorp Genetics (formerly Invitae), Labcorp
Classification: Uncertain significance. Last evaluated: 2025-01-07. Review status: criteria provided, single submitter. Criteria: Invitae Variant Classification Sherloc (09022015). Collection method: clinical testing. Allele origin: germline.
Comment: This sequence change creates a premature translational stop signal (p.Leu179Argfs*7) in the RBP4 gene. While this is not anticipated to result in nonsense mediated decay, it is expected to disrupt the last 23 amino acid(s) of the RBP4 protein. This variant is not present in population databases (gnomAD no frequency). This variant has not been reported in the literature in individuals affected with RBP4-related conditions. Experimental studies and prediction algorithms are not available or were not evaluated, and the functional significance of this variant is currently unknown. In summary, the available evidence is currently insufficient to determine the role of this variant in disease. Therefore, it has been classified as a Variant of Uncertain Significance.

NM_006744.4(RBP4):c.536del (p.Leu179fs)

Gene: RBP4 (retinol binding protein 4; minus strand). Cytogenetic location: 10q23.33.
Variant type: Deletion.
Coding change: c.536del on transcript NM_006744.4 (MANE Select); coding-DNA position 536, one base deleted (T; older notation c.536delT).
Protein change: p.Leu179fs; shifts the reading frame from leucine 179.
Molecular consequence: frameshift variant.
Genome position (GRCh38, 1-based): chr10:93,593,855, A deleted on the plus strand (T on the coding strand, the reverse complement: RBP4 is on the minus strand). VCF-style (leftmost placement, unchanged base first): chr10-93593854-CA-C. GRCh37 (hg19) VCF-style: chr10-95353611-CA-C.
Other names: c.536del, p.Leu179fs (NM_001323517.1); c.530del, p.Leu177fs (NM_001323518.2); short protein forms L177fs, L179fs.
Identifiers: ClinVar variation 3728335 (VCV003728335.2).